The following is an entry in ClinVar:

NM_001083961.2(WDR62):c.3156G>C (p.Gln1052His)

Gene: WDR62 (WD repeat domain 62; plus strand). Cytogenetic location: 19q13.12.
Variant type: single nucleotide variant.
Coding change: c.3156G>C on transcript NM_001083961.2 (MANE Select); coding-DNA position 3156, G replaced by C.
Protein change: p.Gln1052His; replaces glutamine 1052 with histidine.
Molecular consequence: missense variant. On other transcripts: intron variant (1).
Genome position (GRCh38, 1-based): chr19:36,102,087, G>C. VCF-style: chr19-36102087-G-C. GRCh37 (hg19) VCF-style: chr19-36592989-G-C.
Other names: c.3141G>C, p.Gln1047His (NM_001411145.1); c.2805G>C, p.Gln935His (NM_001411147.1); c.3156G>C, p.Gln1052His (NM_173636.5); c.2972-650G>C (NM_001411146.1); short protein forms Q1047H, Q1052H, Q935H.
Identifiers: ClinVar variation 4846963 (VCV004846963.1).

ClinVar aggregate classification (germline): Uncertain significance (1 of 4 stars; one submission).

Conditions:
Microcephaly 2, primary, autosomal recessive, with or without cortical malformations. Also called: MICROCEPHALY 2, PRIMARY, AUTOSOMAL RECESSIVE, WITH CORTICAL MALFORMATIONS; WDR62 Primary Microcephaly. Identifiers: Orphanet 2512, MedGen C1858535, MONDO:0011435, OMIM 604317.

gnomAD v4.1: 2 of 1,614,172 alleles (0.00012%); highest among the groups gnomAD compares: Non-Finnish European, 0.00017%; no homozygotes.

Submission:

Laboratorio de Genetica e Diagnostico Molecular, Hospital Israelita Albert Einstein
Classification: Uncertain significance for Microcephaly 2, primary, autosomal recessive, with or without cortical malformations. Last evaluated: 2025-09-30. Review status: criteria provided, single submitter. Criteria: ACMG Guidelines, 2015. Collection method: clinical testing. Allele origin: germline. Affected: yes.
Comment: ACMG classification criteria: PM2 supporting, BP4 supporting